The following is an entry in ClinVar:

NM_004174.4(SLC9A3):c.1742C>T (p.Ala581Val)

Genes: SLC9A3 (solute carrier family 9 member A3), SLC9A3-AS1 (SLC9A3 antisense RNA 1; plus strand). Cytogenetic location: 5p15.33.
Variant type: single nucleotide variant.
Coding change: c.1742C>T on transcript NM_004174.4 (MANE Select); coding-DNA position 1742, C replaced by T.
Protein change: p.Ala581Val; replaces alanine 581 with valine.
Molecular consequence: missense variant.
Genome position (GRCh38, 1-based): chr5:477,350, G>A on the plus strand (C>T on the coding strand, the complement: SLC9A3 is on the minus strand). VCF-style: chr5-477350-G-A. GRCh37 (hg19) VCF-style: chr5-477465-G-A.
Other names: c.1715C>T, p.Ala572Val (NM_001284351.3); short protein forms A572V, A581V.
Identifiers: ClinVar variation 2120367 (VCV002120367.4), dbSNP rs2477548152, ClinGen allele CA359026117.
Genomic context (GRCh38, chr5:477,350, plus strand): 5'-TGGGCTCTTCCCCAGGGAAGCTGCATGACCATGGCCACATACAGGAGGTAGGAGACAGAG[G>A]CCTCCACGGTGGACGATCGTGGCGTGAAGTCCACGTTGACCACGTTGTCGGTGCTGGGGG-3'
Protein context (NP_004165.2, residues 571-591): DFTPRSSTVE[Ala581Val]SVSYLLRENV

ClinVar aggregate classification (germline): Uncertain significance (1 of 4 stars; one submission).

Allele frequency attached by ClinVar (database versions not stated): gnomAD exomes below 0.00001.
gnomAD v4.1: 1 of 1,609,790 alleles (0.000062%); highest among the groups gnomAD compares: Non-Finnish European, 0.000085%; no homozygotes.

Submission:

Labcorp Genetics (formerly Invitae), Labcorp
Classification: Uncertain significance. Last evaluated: 2022-04-01. Review status: criteria provided, single submitter. Criteria: Invitae Variant Classification Sherloc (09022015). Collection method: clinical testing. Allele origin: germline.
Comment: This sequence change replaces alanine, which is neutral and non-polar, with valine, which is neutral and non-polar, at codon 581 of the SLC9A3 protein (p.Ala581Val). This variant is not present in population databases (gnomAD no frequency). This variant has not been reported in the literature in individuals affected with SLC9A3-related conditions. Algorithms developed to predict the effect of missense changes on protein structure and function are either unavailable or do not agree on the potential impact of this missense change (SIFT: "Not Available"; PolyPhen-2: "Benign"; Align-GVGD: "Not Available"). Algorithms developed to predict the effect of sequence changes on RNA splicing suggest that this variant may create or strengthen a splice site. In summary, the available evidence is currently insufficient to determine the role of this variant in disease. Therefore, it has been classified as a Variant of Uncertain Significance.